The following is an entry in ClinVar:

ClinVar aggregate classification (germline): Likely pathogenic (1 of 4 stars; one submission).

Submission:

Labcorp Genetics (formerly Invitae), Labcorp
Classification: Likely pathogenic. Last evaluated: 2025-05-09. Review status: criteria provided, single submitter. Criteria: Invitae Variant Classification Sherloc (09022015). Collection method: clinical testing. Allele origin: germline.
Comment: This sequence change affects an acceptor splice site in intron 2 of the COL4A4 gene. It is expected to disrupt RNA splicing. Variants that disrupt the donor or acceptor splice site typically lead to a loss of protein function (PMID: 16199547), and loss-of-function variants in COL4A4 are known to be pathogenic (PMID: 21196518, 24854265, 25307543). This variant is not present in population databases (gnomAD no frequency). This variant has not been reported in the literature in individuals affected with COL4A4-related conditions. ClinVar contains an entry for this variant (Variation ID: 844141). Algorithms developed to predict the effect of sequence changes on RNA splicing suggest that this variant may disrupt the consensus splice site. In summary, the currently available evidence indicates that the variant is pathogenic, but additional data are needed to prove that conclusively. Therefore, this variant has been classified as Likely Pathogenic.

Literature cited by the submitters: PubMed 16199547; PubMed 21196518; PubMed 24854265; PubMed 25307543.

NM_000092.5(COL4A4):c.72-1G>T

Gene: COL4A4 (collagen type IV alpha 4 chain; minus strand). Cytogenetic location: 2q36.3.
Variant type: single nucleotide variant.
Coding change: c.72-1G>T on transcript NM_000092.5 (MANE Select); the canonical splice acceptor site of the intron before coding-DNA position 72, G replaced by T.
Molecular consequence: splice acceptor variant.
Genome position (GRCh38, 1-based): chr2:227,144,559, C>A on the plus strand (G>T on the coding strand, the complement: COL4A4 is on the minus strand). VCF-style: chr2-227144559-C-A. GRCh37 (hg19) VCF-style: chr2-228009275-C-A.
Identifiers: ClinVar variation 844141 (VCV000844141.8), dbSNP rs2063421489, ClinGen allele CA350842733.
Genomic context (GRCh38, chr2:227,144,559, plus strand): 5'-CTAGTGAATGTACTTACCCCATATACATATTGTACAGAAAAGAGAATGAGTATAAGTGAC[C>A]TACAGAAAAACAAAAACGCAGATTAATTTAAACAGTTTCTTTTCATGTGAAACAAAAAGA-3'